The following is an entry in ClinVar:

NM_006086.4(TUBB3):c.413C>T (p.Ser138Leu)

Gene: TUBB3 (tubulin beta 3 class III; plus strand). Cytogenetic location: 16q24.3.
Variant type: single nucleotide variant.
Coding change: c.413C>T on transcript NM_006086.4 (MANE Select); coding-DNA position 413, C replaced by T.
Protein change: p.Ser138Leu; replaces serine 138 with leucine.
Molecular consequence: missense variant.
Genome position (GRCh38, 1-based): chr16:89,934,864, C>T. VCF-style: chr16-89934864-C-T. GRCh37 (hg19) VCF-style: chr16-90001272-C-T.
Other names: c.197C>T, p.Ser66Leu (NM_001197181.2); short protein forms S138L, S66L.
Identifiers: ClinVar variation 3898790 (VCV003898790.1).
Genomic context (GRCh38, chr16:89,934,864, plus strand): 5'-ATGTGGTGCGGAAGGAGTGTGAAAACTGCGACTGCCTGCAGGGCTTCCAGCTGACCCACT[C>T]GCTGGGGGGCGGCACGGGCTCCGGCATGGGCACGTTGCTCATCAGCAAGGTGCGTGAGGA-3'
Protein context (NP_006077.2, residues 128-148): DCLQGFQLTH[Ser138Leu]LGGGTGSGMG

ClinVar aggregate classification (germline): Uncertain significance (1 of 4 stars; one submission).

gnomAD v4.1: 4 of 1,614,088 alleles (0.00025%); highest among the groups gnomAD compares: Admixed American, 0.0017%; no homozygotes.

Submission:

GeneDx
Classification: Uncertain significance. Last evaluated: 2024-11-11. Review status: criteria provided, single submitter. Criteria: GeneDx Variant Classification Process June 2021. Collection method: clinical testing. Allele origin: germline. Affected: yes.
Comment: Not observed at significant frequency in large population cohorts (gnomAD); Missense variants in this gene are a common cause of disease and they are underrepresented in the general population; In silico analysis supports that this missense variant has a deleterious effect on protein structure/function; Has not been previously published as pathogenic or benign to our knowledge; This variant is associated with the following publications: (PMID: 20829227)